The following is an entry in ClinVar:

ClinVar aggregate classification (germline): Uncertain significance (1 of 4 stars; one submission).

Conditions:
Familial thoracic aortic aneurysm and aortic dissection (TAAD). Also called: Thoracic aortic aneurysms and dissections. Identifiers: Orphanet 91387, MedGen C4707243, MONDO:0019625.

Allele frequency attached by ClinVar (database versions not stated): TOPMed below 0.00001.

Submission:

Ambry Genetics
Classification: Uncertain significance for Familial thoracic aortic aneurysm and aortic dissection. Last evaluated: 2023-11-30. Review status: criteria provided, single submitter. Criteria: Ambry Variant Classification Scheme 2023. Collection method: clinical testing. Allele origin: germline.
Comment: The p.P2498A variant (also known as c.7492C>G), located in coding exon 34 of the NOTCH1 gene, results from a C to G substitution at nucleotide position 7492. The proline at codon 2498 is replaced by alanine, an amino acid with highly similar properties. This amino acid position is conserved. In addition, the in silico prediction for this alteration is inconclusive. Since supporting evidence is limited at this time, the clinical significance of this alteration remains unclear.

NM_017617.5(NOTCH1):c.7492C>G (p.Pro2498Ala)

Gene: NOTCH1 (notch receptor 1; minus strand). Cytogenetic location: 9q34.3.
Variant type: single nucleotide variant.
Coding change: c.7492C>G on transcript NM_017617.5 (MANE Select); coding-DNA position 7492, C replaced by G.
Protein change: p.Pro2498Ala; replaces proline 2498 with alanine.
Molecular consequence: missense variant.
Genome position (GRCh38, 1-based): chr9:136,496,247, G>C on the plus strand (C>G on the coding strand, the complement: NOTCH1 is on the minus strand). VCF-style: chr9-136496247-G-C. GRCh37 (hg19) VCF-style: chr9-139390699-G-C.
Other names: short protein forms P2498A.
Identifiers: ClinVar variation 3226993 (VCV003226993.1), dbSNP rs1842911385, ClinGen allele CA375626092.